The following is an entry in ClinVar:

NM_001077446.4(TSEN34):c.334C>G (p.Leu112Val)

Gene: TSEN34 (tRNA splicing endonuclease subunit 34; plus strand). Cytogenetic location: 19q13.42.
Variant type: single nucleotide variant.
Coding change: c.334C>G on transcript NM_001077446.4 (MANE Select); coding-DNA position 334, C replaced by G.
Protein change: p.Leu112Val; replaces leucine 112 with valine.
Molecular consequence: missense variant.
Genome position (GRCh38, 1-based): chr19:54,191,811, C>G. VCF-style: chr19-54191811-C-G. GRCh37 (hg19) VCF-style: chr19-54695662-C-G.
Other names: c.334C>G, p.Leu112Val (NM_001282332.2, NM_001282333.2, NM_001386740.1 and 1 more transcripts); short protein forms L112V.
Identifiers: ClinVar variation 160119 (VCV000160119.16), dbSNP rs17849378, ClinGen allele CA272747.

ClinVar aggregate classification (germline): Benign. Review status: criteria provided, multiple submitters, no conflicts (2 of 4 stars). 4 submissions from 4 submitters: Benign (4). Last evaluated 2025-11-23.

Conditions:
Pontoneocerebellar hypoplasia. Also called: Pontocerebellar hypoplasia; Non-syndromic pontocerebellar hypoplasia. Identifiers: Orphanet 98523, MedGen C1261175, MONDO:0020135.

Allele frequency attached by ClinVar (database versions not stated): gnomAD exomes 0.00063 and 0.00145; ExAC 0.00167; ESP Exome Variant Server 0.00416; gnomAD 0.00472 and 0.00493; 1000 Genomes Project 0.00519; 1000 Genomes Project 30x 0.00531; TOPMed 0.00574.
gnomAD v4.1: 1,707 of 1,614,188 alleles (0.11%); highest among the groups gnomAD compares: African/African-American, 1.7%; 11 homozygotes.

Submissions (4):

Labcorp Genetics (formerly Invitae), Labcorp
Classification: Benign. Last evaluated: 2025-11-23. Review status: criteria provided, single submitter. Criteria: Invitae Variant Classification Sherloc (09022015). Collection method: clinical testing. Allele origin: germline.

Illumina Laboratory Services, Illumina
Classification: Benign for Pontoneocerebellar hypoplasia. Last evaluated: 2018-01-13. Review status: criteria provided, single submitter. Criteria: ICSL Variant Classification Criteria 13 December 2019. Collection method: clinical testing. Allele origin: germline.
Comment: This variant was observed in the ICSL laboratory as part of a predisposition screen in an ostensibly healthy population. It had not been previously curated by ICSL or reported in the Human Gene Mutation Database (HGMD: prior to June 1st, 2018), and was therefore a candidate for classification through an automated scoring system. Utilizing variant allele frequency, disease prevalence and penetrance estimates, and inheritance mode, an automated score was calculated to assess if this variant is too frequent to cause the disease. Based on the score and internal cut-off values, a variant classified as benign is not then subjected to further curation. The score for this variant resulted in a classification of benign for this disease.

GeneDx
Classification: Benign. Last evaluated: 2017-03-28. Review status: criteria provided, single submitter. Criteria: GeneDx Variant Classification (06012015). Collection method: clinical testing. Allele origin: germline. Affected: yes.
Comment: This variant is considered likely benign or benign based on one or more of the following criteria: it is a conservative change, it occurs at a poorly conserved position in the protein, it is predicted to be benign by multiple in silico algorithms, and/or has population frequency not consistent with disease.

Genetic Services Laboratory, University of Chicago
Classification: Benign. Last evaluated: 2015-12-18. Review status: criteria provided, single submitter. Criteria: ACMG Guidelines, 2015. Collection method: clinical testing. Allele origin: germline. Affected: no.